The following is an entry in ClinVar:

ClinVar aggregate classification (germline): Uncertain significance (1 of 4 stars; one submission).

Conditions:
Hereditary cancer-predisposing syndrome. Also called: Neoplastic Syndromes, Hereditary; Tumor predisposition; Hereditary neoplastic syndrome; Hereditary Cancer Syndrome. Identifiers: Orphanet 140162, MedGen C0027672, MeSH D009386, MONDO:0015356.

gnomAD v4.1: 1 of 1,611,552 alleles (0.000062%); highest among the groups gnomAD compares: Non-Finnish European, 0.000085%; no homozygotes.

Submission:

Ambry Genetics
Classification: Uncertain significance for Hereditary cancer-predisposing syndrome. Last evaluated: 2026-07-07. Review status: criteria provided, single submitter. Criteria: Ambry Variant Classification Scheme 2023. Collection method: clinical testing. Allele origin: germline.
Comment: The p.S184N variant (also known as c.551G>A), located in coding exon 4 of the NTHL1 gene, results from a G to A substitution at nucleotide position 551. The serine at codon 184 is replaced by asparagine, an amino acid with highly similar properties. This amino acid position is conserved. In addition, this alteration is predicted to be tolerated by in silico analysis. Based on the available evidence, the clinical significance of this variant remains unclear.

NM_002528.7(NTHL1):c.527G>A (p.Ser176Asn)

Gene: NTHL1 (nth like DNA glycosylase 1; minus strand). Cytogenetic location: 16p13.3.
Variant type: single nucleotide variant.
Coding change: c.527G>A on transcript NM_002528.7 (MANE Select); coding-DNA position 527, G replaced by A.
Protein change: p.Ser176Asn; replaces serine 176 with asparagine.
Molecular consequence: missense variant.
Genome position (GRCh38, 1-based): chr16:2,043,725, C>T on the plus strand (G>A on the coding strand, the complement: NTHL1 is on the minus strand). VCF-style: chr16-2043725-C-T. GRCh37 (hg19) VCF-style: chr16-2093726-C-T.
Other names: c.356G>A, p.Ser119Asn (NM_001318193.2); c.197G>A, p.Ser66Asn (NM_001318194.2); short protein forms S66N, S176N, S119N.
Identifiers: ClinVar variation 5025903 (VCV005025903.1).
Genomic context (GRCh38, chr16:2,043,725, plus strand): 5'-ATGTCCCCACCGTAGTGCTGCTGCAGGATGGCGCTGGTCTGCTTGATGTATTTCACCTTG[C>T]TCTGAAAGACAGGGGTGGGTTCAGCCTTGGAGGCAAGGGCACAGCCCAACCTGGGAGGAT-3'
Protein context (NP_002519.2, residues 166-186): KLIYPVGFWR[Ser176Asn]KVKYIKQTSA